The following is an entry in ClinVar:

ClinVar aggregate classification (germline): Benign. Review status: criteria provided, single submitter (1 of 4 stars). 2 submissions from 2 submitters: Benign (1). 1 of the submissions does not count toward it. Last evaluated 2025-07-02.

Conditions:
RAI1-related disorder. Also called: RAI1-related condition.

Allele frequency attached by ClinVar (database versions not stated): gnomAD 0.00001; gnomAD exomes 0.00001; ExAC 0.00002; TOPMed 0.00002.
gnomAD v4.1: 21 of 1,613,160 alleles (0.0013%); highest among the groups gnomAD compares: South Asian, 0.0077%; no homozygotes.

Submissions (2):

Labcorp Genetics (formerly Invitae), Labcorp
Classification: Benign. Last evaluated: 2025-07-02. Review status: criteria provided, single submitter. Criteria: Invitae Variant Classification Sherloc (09022015). Collection method: clinical testing. Allele origin: germline.

PreventionGenetics, part of Exact Sciences
Classification: Uncertain significance for RAI1-related condition. Last evaluated: 2023-12-24. Review status: no assertion criteria provided. Collection method: clinical testing. Allele origin: germline. Not counted in ClinVar's aggregate classification.
Comment: The RAI1 c.2737G>A variant is predicted to result in the amino acid substitution p.Gly913Ser. To our knowledge, this variant has not been reported in the literature. This variant is reported in 0.0098% of alleles in individuals of South Asian descent in gnomAD. At this time, the clinical significance of this variant is uncertain due to the absence of conclusive functional and genetic evidence.

NM_030665.4(RAI1):c.2737G>A (p.Gly913Ser)

Gene: RAI1 (retinoic acid induced 1; plus strand). Cytogenetic location: 17p11.2.
Variant type: single nucleotide variant.
Coding change: c.2737G>A on transcript NM_030665.4 (MANE Select); coding-DNA position 2737, G replaced by A.
Protein change: p.Gly913Ser; replaces glycine 913 with serine.
Molecular consequence: missense variant.
Genome position (GRCh38, 1-based): chr17:17,795,685, G>A. VCF-style: chr17-17795685-G-A. GRCh37 (hg19) VCF-style: chr17-17698999-G-A.
Other names: c.2737G>A (NM_030665.3); short protein forms G913S.
Identifiers: ClinVar variation 2082539 (VCV002082539.5), dbSNP rs770243642, ClinGen allele CA8418600.
Genomic context (GRCh38, chr17:17,795,685, plus strand): 5'-CCCAAGGCCCCACTCATCTGCACCAAGGAGGAGGTGGAGGAGGTGCTGGACTCCAAGGCC[G>A]GCTGGGGCTCTCCGTGCCACCTCTCAGGGGAGTCCGTCATCCTGCTGGGCCCTACAGTGG-3'
Protein context (NP_109590.3, residues 903-923): EVEEVLDSKA[Gly913Ser]WGSPCHLSGE